The following is an entry in ClinVar:

ClinVar aggregate classification (germline): Uncertain significance (1 of 4 stars; one submission).

Conditions:
Inborn genetic diseases. Identifiers: MedGen C0950123, MeSH D030342.

Submission:

Ambry Genetics
Classification: Uncertain significance for Inborn genetic diseases. Last evaluated: 2023-02-24. Review status: criteria provided, single submitter. Criteria: Ambry Variant Classification Scheme 2023. Collection method: clinical testing. Allele origin: germline.
Comment: The p.L1085P variant (also known as c.3254T>C), located in coding exon 24 of the LRRK2 gene, results from a T to C substitution at nucleotide position 3254. The leucine at codon 1085 is replaced by proline, an amino acid with similar properties. This amino acid position is conserved. In addition, this alteration is predicted to be deleterious by in silico analysis. Since supporting evidence is limited at this time, the clinical significance of this alteration remains unclear.

NM_198578.4(LRRK2):c.3254T>C (p.Leu1085Pro)

Gene: LRRK2 (leucine rich repeat kinase 2; plus strand). Cytogenetic location: 12q12.
Variant type: single nucleotide variant.
Coding change: c.3254T>C on transcript NM_198578.4 (MANE Select); coding-DNA position 3254, T replaced by C.
Protein change: p.Leu1085Pro; replaces leucine 1085 with proline.
Molecular consequence: missense variant.
Genome position (GRCh38, 1-based): chr12:40,298,400, T>C. VCF-style: chr12-40298400-T-C. GRCh37 (hg19) VCF-style: chr12-40692202-T-C.
Other names: short protein forms L1085P.
Identifiers: ClinVar variation 2453126 (VCV002453126.2), dbSNP rs2499746368, ClinGen allele CA384414831.